The following is an entry in ClinVar:

NM_000283.4(PDE6B):c.789G>A (p.Thr263=)

Genes: PDE6B (phosphodiesterase 6B; plus strand), PDE6B-AS1 (PDE6B antisense RNA 1; minus strand). Cytogenetic location: 4p16.3.
Variant type: single nucleotide variant.
Coding change: c.789G>A on transcript NM_000283.4 (MANE Select); coding-DNA position 789, G replaced by A.
Protein change: p.Thr263=; no amino-acid change (threonine 263 retained).
Molecular consequence: synonymous variant. On other transcripts: 5 prime UTR variant (5).
Genome position (GRCh38, 1-based): chr4:653,929, G>A. VCF-style: chr4-653929-G-A. GRCh37 (hg19) VCF-style: chr4-647718-G-A.
Other names: c.789G>A, p.Thr263= (NM_001145291.2); c.-49G>A (NM_001145292.2, NM_001350154.3, NM_001379246.1 and 1 more transcripts); c.-252G>A (NM_001350155.3).
Identifiers: ClinVar variation 349363 (VCV000349363.17), dbSNP rs138789637, ClinGen allele CA2794119.

ClinVar aggregate classification (germline): Conflicting classifications of pathogenicity. Review status: criteria provided, conflicting classifications (1 of 4 stars). 4 submissions from 3 submitters: Uncertain significance (2); Likely benign (2). Last evaluated 2026-04-22.

Conditions:
PDE6B-related disorder. Also called: PDE6B-related disorders; PDE6B-related disease; PDE6B-related condition.
Retinitis pigmentosa (RP). Identifiers: Orphanet 791, MedGen C0035334, MeSH D012174, MONDO:0019200, OMIM 268000. Inheritance: Autosomal dominant, autosomal recessive and X linked inheritance.
Congenital stationary night blindness autosomal dominant 2. Also called: NIGHT BLINDNESS, CONGENITAL STATIONARY, RAMBUSCH TYPE. Identifiers: Orphanet 215, MedGen C1876182, MONDO:0008099, OMIM 163500.

Allele frequency attached by ClinVar (database versions not stated): TOPMed 0.00003; gnomAD 0.00004; ESP Exome Variant Server 0.00008; gnomAD exomes 0.00008; ExAC 0.00009.
gnomAD v4.1: 45 of 1,613,794 alleles (0.0028%); highest among the groups gnomAD compares: South Asian, 0.0066%; no homozygotes.

Submissions (4):

PreventionGenetics, part of Exact Sciences
Classification: Likely benign for PDE6B-related condition. Last evaluated: 2026-04-22. Review status: criteria provided, single submitter. Criteria: ACMG Guidelines, 2015. Collection method: clinical testing. Allele origin: germline.
Comment: This variant is classified as likely benign based on ACMG/AMP sequence variant interpretation guidelines (Richards et al. 2015 PMID: 25741868, with internal and published modifications).

Labcorp Genetics (formerly Invitae), Labcorp
Classification: Likely benign. Last evaluated: 2025-12-20. Review status: criteria provided, single submitter. Criteria: Invitae Variant Classification Sherloc (09022015). Collection method: clinical testing. Allele origin: germline.

Illumina Laboratory Services, Illumina
Classification: Uncertain significance for Retinitis pigmentosa. Last evaluated: 2018-01-12. Review status: criteria provided, single submitter. Criteria: ICSL Variant Classification Criteria 13 December 2019. Collection method: clinical testing. Allele origin: germline.

Illumina Laboratory Services, Illumina
Classification: Uncertain significance for Congenital stationary night blindness autosomal dominant 2. Last evaluated: 2018-01-12. Review status: criteria provided, single submitter. Criteria: ICSL Variant Classification Criteria 13 December 2019. Collection method: clinical testing. Allele origin: germline.